The following is an entry in ClinVar:

ClinVar aggregate classification (germline): Uncertain significance (1 of 4 stars; one submission).

Conditions:
Dyskeratosis congenita, autosomal recessive 5 (DKCB5). Identifiers: MedGen C3554656, MONDO:0014076, OMIM 615190.
Pulmonary fibrosis and/or bone marrow failure, Telomere-related, 3. Also called: PULMONARY FIBROSIS AND/OR BONE MARROW FAILURE SYNDROME, TELOMERE-RELATED, 3. Identifiers: Orphanet 2032, MedGen C4225346, MONDO:0014613, OMIM 616373.

Submission:

Labcorp Genetics (formerly Invitae), Labcorp
Classification: Uncertain significance for Dyskeratosis congenita, autosomal recessive 5; Pulmonary fibrosis and/or bone marrow failure, Telomere-related, 3. Last evaluated: 2021-09-30. Review status: criteria provided, single submitter. Criteria: Invitae Variant Classification Sherloc (09022015). Collection method: clinical testing. Allele origin: germline.
Comment: This sequence change affects codon 997 of the RTEL1 mRNA. It is a 'silent' change, meaning that it does not change the encoded amino acid sequence of the RTEL1 protein. This variant is not present in population databases (ExAC no frequency). This variant has not been reported in the literature in individuals with RTEL1-related conditions. Algorithms developed to predict the effect of sequence changes on RNA splicing suggest that this variant is not likely to affect RNA splicing, but this prediction has not been confirmed by published transcriptional studies. In summary, the available evidence is currently insufficient to determine the role of this variant in disease. Therefore, it has been classified as a Variant of Uncertain Significance.

NM_001283009.2(RTEL1):c.2991T>C (p.Thr997=)

Genes: RTEL1 (regulator of telomere elongation helicase 1; plus strand), RTEL1-TNFRSF6B (RTEL1-TNFRSF6B readthrough (NMD candidate); plus strand). Cytogenetic location: 20q13.33.
Variant type: single nucleotide variant.
Coding change: c.2991T>C on transcript NM_001283009.2 (MANE Select); coding-DNA position 2991, T replaced by C.
Protein change: p.Thr997=; no amino-acid change (threonine 997 retained).
Molecular consequence: synonymous variant. On other transcripts: non-coding transcript variant (1).
Genome position (GRCh38, 1-based): chr20:63,693,282, T>C. VCF-style: chr20-63693282-T-C. GRCh37 (hg19) VCF-style: chr20-62324635-T-C.
Other names: c.2322T>C, p.Thr774= (NM_001283010.1); c.2991T>C, p.Thr997= (NM_016434.4); c.3063T>C, p.Thr1021= (NM_032957.5).
Identifiers: ClinVar variation 1418109 (VCV001418109.5), dbSNP rs2145449639, ClinGen allele CA511661485.